The following is an entry in ClinVar:

NM_020937.4(FANCM):c.5581A>T (p.Met1861Leu)

Gene: FANCM (FA complementation group M; plus strand). Cytogenetic location: 14q21.2.
Variant type: single nucleotide variant.
Coding change: c.5581A>T on transcript NM_020937.4 (MANE Select); coding-DNA position 5581, A replaced by T.
Protein change: p.Met1861Leu; replaces methionine 1861 with leucine.
Molecular consequence: missense variant.
Genome position (GRCh38, 1-based): chr14:45,196,412, A>T. VCF-style: chr14-45196412-A-T. GRCh37 (hg19) VCF-style: chr14-45665615-A-T.
Other names: c.5503A>T, p.Met1835Leu (NM_001308133.2); short protein forms M1835L, M1861L.
Identifiers: ClinVar variation 4619623 (VCV004619623.1).

ClinVar aggregate classification (germline): Uncertain significance (1 of 4 stars; one submission).

Conditions:
Inborn genetic diseases. Identifiers: MedGen C0950123, MeSH D030342.

Submission:

Ambry Genetics
Classification: Uncertain significance for Inborn genetic diseases. Last evaluated: 2025-11-30. Review status: criteria provided, single submitter. Criteria: Ambry Variant Classification Scheme 2023. Collection method: clinical testing. Allele origin: germline.
Comment: The p.M1861L variant (also known as c.5581A>T), located in coding exon 21 of the FANCM gene, results from an A to T substitution at nucleotide position 5581. The methionine at codon 1861 is replaced by leucine, an amino acid with highly similar properties. This amino acid position is conserved. In addition, this alteration is predicted to be tolerated by in silico analysis. Based on the available evidence, the clinical significance of this variant remains unclear.